The following is an entry in ClinVar:

ClinVar aggregate classification (germline): Pathogenic. Review status: criteria provided, multiple submitters, no conflicts (2 of 4 stars). 2 submissions from 2 submitters: Pathogenic (2). Last evaluated 2023-10-19.

Conditions:
Fanconi anemia (FA). Also called: Fanconi's anemia. Identifiers: Orphanet 84, MedGen C0015625, MeSH D005199, MONDO:0019391.
Fanconi anemia complementation group F. Also called: FANCF-Related Fanconi Anemia. Identifiers: Orphanet 84, MedGen C3469526, MONDO:0011325, OMIM 603467.

Submissions (2):

Baylor Genetics
Classification: Pathogenic for Fanconi anemia complementation group F. Last evaluated: 2023-10-19. Review status: criteria provided, single submitter. Criteria: ACMG Guidelines, 2015. Collection method: clinical testing. Allele origin: unknown.

Labcorp Genetics (formerly Invitae), Labcorp
Classification: Pathogenic for Fanconi anemia. Last evaluated: 2022-10-18. Review status: criteria provided, single submitter. Criteria: Invitae Variant Classification Sherloc (09022015). Collection method: clinical testing. Allele origin: germline.
Comment: This variant is not present in population databases (gnomAD no frequency). This sequence change creates a premature translational stop signal (p.Asp9Argfs*82) in the FANCF gene. While this is not anticipated to result in nonsense mediated decay, it is expected to disrupt the last 366 amino acid(s) of the FANCF protein. This variant has not been reported in the literature in individuals affected with FANCF-related conditions. For these reasons, this variant has been classified as Pathogenic. This variant disrupts a region of the FANCF protein in which other variant(s) (p.Leu162Aspfs*103) have been determined to be pathogenic (PMID: 26033879, 27714961, 28102861). This suggests that this is a clinically significant region of the protein, and that variants that disrupt it are likely to be disease-causing. ClinVar contains an entry for this variant (Variation ID: 1075622).

Literature cited by the submitters: PubMed 26033879 (cited by Labcorp Genetics (formerly Invitae), Labcorp); PubMed 27714961 (cited by Labcorp Genetics (formerly Invitae), Labcorp); PubMed 28102861 (cited by Labcorp Genetics (formerly Invitae), Labcorp).

NM_022725.4(FANCF):c.24_25insA (p.Asp9fs)

Gene: FANCF (FA complementation group F; minus strand). Cytogenetic location: 11p14.3.
Variant type: Insertion.
Coding change: c.24_25insA on transcript NM_022725.4 (MANE Select); coding-DNA positions 24 to 25, A inserted.
Protein change: p.Asp9fs; shifts the reading frame from aspartic acid 9.
Molecular consequence: frameshift variant.
Genome position: GRCh38 VCF-style: chr11-22625786-C-CT. GRCh37 (hg19) VCF-style: chr11-22647332-C-CT.
Other names: short protein forms D9fs.
Identifiers: ClinVar variation 1075622 (VCV001075622.10), dbSNP rs2133798885, ClinGen allele CA2499220872.
Genomic context (GRCh38, chr11:22,625,786, plus strand): 5'-CGGGGTCCCAGGTGCTGACGTAGGTAGTGCTTGAGACCGCCAGAAGCTCGGAAAAGCGAT[C>CT]CAGGTGCTGCAGAAGGGATTCCATGAGGTGCGCGAAGGCCCTACTTCCGCTTTCACCTTG-3'